The following is an entry in ClinVar:

ClinVar aggregate classification (germline): Likely pathogenic. Review status: criteria provided, multiple submitters, no conflicts (2 of 4 stars). 2 submissions from 2 submitters: Likely pathogenic (2). Last evaluated 2024-12-23.

Submissions (2):

Revvity Omics, Revvity
Classification: Likely pathogenic. Last evaluated: 2024-12-23. Review status: criteria provided, single submitter. Criteria: ACMG Guidelines, 2015. Collection method: clinical testing. Allele origin: germline.

Mayo Clinic Laboratories, Mayo Clinic
Classification: Likely pathogenic. Last evaluated: 2024-10-22. Review status: criteria provided, single submitter. Criteria: ACMG Guidelines, 2015. Collection method: clinical testing. Allele origin: germline. Observed: 1 variant allele.
Comment: PM2_supporting, PVS1

NM_001355436.2(SPTB):c.770_771del (p.Phe257fs)

Gene: SPTB (spectrin beta, erythrocytic; minus strand). Cytogenetic location: 14q23.3.
Variant type: Deletion.
Coding change: c.770_771del on transcript NM_001355436.2 (MANE Select); coding-DNA positions 770 to 771, 2 bases deleted (TT; older notation c.770_771delTT).
Protein change: p.Phe257fs; shifts the reading frame from phenylalanine 257.
Molecular consequence: frameshift variant.
Genome position (GRCh38, 1-based): chr14:64,800,861-64,800,862, AA deleted on the plus strand (TT on the coding strand, the reverse complement: SPTB is on the minus strand); deleting any 2 consecutive bases within chr14:64,800,861-64,800,863 gives the same sequence; the c. name uses the placement nearest the transcript's 3' end. VCF-style (leftmost placement, unchanged base first): chr14-64800860-TAA-T. GRCh37 (hg19) VCF-style: chr14-65267578-TAA-T.
Other names: p.Phe257Tyrfs*5; c.770_771del, p.Phe257fs (NM_001024858.4, NM_001355437.2); short protein forms F257fs.
Identifiers: ClinVar variation 4077599 (VCV004077599.2).